The following is an entry in ClinVar:

ClinVar aggregate classification (germline): Uncertain significance. Review status: criteria provided, multiple submitters, no conflicts (2 of 4 stars). 3 submissions from 3 submitters: Uncertain significance (3). Last evaluated 2025-11-06.

Conditions:
Succinate-semialdehyde dehydrogenase deficiency (SSADHD). Also called: GABA METABOLIC DEFECT; SSADH DEFICIENCY; 4-HYDROXYBUTYRIC ACIDURIA; Succinic Semialdehyde Dehydrogenase Deficiency. Identifiers: Orphanet 22, MedGen C0268631, MONDO:0010083, OMIM 271980.

Allele frequency attached by ClinVar (database versions not stated): gnomAD 0.00001; TOPMed 0.00001; gnomAD exomes 0.00002; ExAC 0.00003.
gnomAD v4.1: 36 of 1,613,920 alleles (0.0022%); highest among the groups gnomAD compares: Non-Finnish European, 0.0031%; no homozygotes.

Submissions (3):

Labcorp Genetics (formerly Invitae), Labcorp
Classification: Uncertain significance for Succinate-semialdehyde dehydrogenase deficiency. Last evaluated: 2025-11-06. Review status: criteria provided, single submitter. Criteria: Invitae Variant Classification Sherloc (09022015). Collection method: clinical testing. Allele origin: germline.
Comment: This sequence change replaces alanine, which is neutral and non-polar, with valine, which is neutral and non-polar, at codon 361 of the ALDH5A1 protein (p.Ala361Val). This variant is present in population databases (rs763860786, gnomAD 0.006%). This variant has not been reported in the literature in individuals affected with ALDH5A1-related conditions. ClinVar contains an entry for this variant (Variation ID: 356138). Invitae Evidence Modeling of protein sequence and biophysical properties (such as structural, functional, and spatial information, amino acid conservation, physicochemical variation, residue mobility, and thermodynamic stability) has been performed for this missense variant. However, the output from this modeling did not meet the statistical confidence thresholds required to predict the impact of this variant on ALDH5A1 protein function. In summary, the available evidence is currently insufficient to determine the role of this variant in disease. Therefore, it has been classified as a Variant of Uncertain Significance.

Blueprint Genetics
Classification: Uncertain significance. Last evaluated: 2023-12-20. Review status: criteria provided, single submitter. Criteria: ACMG Guidelines, 2015. Collection method: clinical testing. Allele origin: germline.

Illumina Laboratory Services, Illumina
Classification: Uncertain significance for Succinate-semialdehyde dehydrogenase deficiency. Last evaluated: 2018-01-13. Review status: criteria provided, single submitter. Criteria: ICSL Variant Classification Criteria 13 December 2019. Collection method: clinical testing. Allele origin: germline.

NM_001080.3(ALDH5A1):c.1082C>T (p.Ala361Val)

Gene: ALDH5A1 (aldehyde dehydrogenase 5 family member A1; plus strand). Cytogenetic location: 6p22.3.
Variant type: single nucleotide variant.
Coding change: c.1082C>T on transcript NM_001080.3 (MANE Select); coding-DNA position 1082, C replaced by T.
Protein change: p.Ala361Val; replaces alanine 361 with valine.
Molecular consequence: missense variant.
Genome position (GRCh38, 1-based): chr6:24,522,834, C>T. VCF-style: chr6-24522834-C-T. GRCh37 (hg19) VCF-style: chr6-24523062-C-T.
Other names: c.938C>T, p.Ala313Val (NM_001368954.1); c.1121C>T, p.Ala374Val (NM_170740.1); short protein forms A361V, A374V, A313V.
Identifiers: ClinVar variation 356138 (VCV000356138.12), dbSNP rs763860786, ClinGen allele CA3656846.
Genomic context (GRCh38, chr6:24,522,834, plus strand): 5'-TTTGCTCAAACCAATTCTTGGTGCAAAGGGGCATCCATGATGCCTTTGTAAAAGCATTCG[C>T]CGAGGCCATGAAGAAGAACCTGCGCGTAGGTAATGGATTTGAGGAAGGAACTACTCAGGG-3'
Protein context (NP_001071.1, residues 351-371): GIHDAFVKAF[Ala361Val]EAMKKNLRVG